The following is an entry in ClinVar:

NM_006531.5(IFT88):c.1694T>A (p.Met565Lys)

Gene: IFT88 (intraflagellar transport 88; plus strand). Cytogenetic location: 13q12.11.
Variant type: single nucleotide variant.
Coding change: c.1694T>A on transcript NM_006531.5 (MANE Select); coding-DNA position 1694, T replaced by A.
Protein change: p.Met565Lys; replaces methionine 565 with lysine.
Molecular consequence: missense variant. On other transcripts: non-coding transcript variant (4).
Genome position (GRCh38, 1-based): chr13:20,643,466, T>A. VCF-style: chr13-20643466-T-A. GRCh37 (hg19) VCF-style: chr13-21217605-T-A.
Other names: c.1637T>A, p.Met546Lys (NM_001318491.2, NM_001353575.2); c.1721T>A, p.Met574Lys (NM_001318493.2, NM_001353565.2, NM_001353566.2 and 2 more transcripts); c.1694T>A, p.Met565Lys (NM_001353568.2, NM_001353572.2); c.1619T>A, p.Met540Lys (NM_001353569.2, NM_001353570.2, NM_001353576.2 and 1 more transcripts); c.1592T>A, p.Met531Lys (NM_001353571.2, NM_001353578.2); c.1550T>A, p.Met517Lys (NM_001353573.2); c.1535T>A, p.Met512Lys (NM_001353574.2); c.1061T>A, p.Met354Lys (NM_001353579.2); short protein forms M354K, M565K, M574K, M512K, M517K, M540K, M546K, M531K.
Identifiers: ClinVar variation 1503904 (VCV001503904.6), dbSNP rs746935260, ClinGen allele CA6905516.
Genomic context (GRCh38, chr13:20,643,466, plus strand): 5'-TGCTTAATGAATTTAGAAAACATGTTTTCCTTAACTGACATTGCATAAGATATGAATTAA[T>A]GGAAAATCCCAGTCAAGCTATTGAATGGCTAATGCAGGTGGTCAGTGTTATTCCAACCGA-3'
Protein context (NP_006522.2, residues 555-575): LYQIANIYEL[Met565Lys]ENPSQAIEWL

ClinVar aggregate classification (germline): Uncertain significance (1 of 4 stars; one submission).

Allele frequency attached by ClinVar (database versions not stated): TOPMed below 0.00001; gnomAD exomes 0.00002; ExAC 0.00003.
gnomAD v4.1: 4 of 1,597,112 alleles (0.00025%); highest among the groups gnomAD compares: Admixed American, 0.0073%; no homozygotes.

Submission:

Labcorp Genetics (formerly Invitae), Labcorp
Classification: Uncertain significance. Last evaluated: 2023-08-02. Review status: criteria provided, single submitter. Criteria: Invitae Variant Classification Sherloc (09022015). Collection method: clinical testing. Allele origin: germline.
Comment: In summary, the available evidence is currently insufficient to determine the role of this variant in disease. Therefore, it has been classified as a Variant of Uncertain Significance. An algorithm developed to predict the effect of missense changes on protein structure and function (PolyPhen-2) suggests that this variant is likely to be tolerated. ClinVar contains an entry for this variant (Variation ID: 1503904). This variant has not been reported in the literature in individuals affected with IFT88-related conditions. This variant is present in population databases (rs746935260, gnomAD 0.01%). This sequence change replaces methionine, which is neutral and non-polar, with lysine, which is basic and polar, at codon 574 of the IFT88 protein (p.Met574Lys).